The following is an entry in ClinVar:

ClinVar aggregate classification (germline): Uncertain significance (1 of 4 stars; one submission).

gnomAD v4.1: 7 of 1,612,380 alleles (0.00043%); highest among the groups gnomAD compares: Non-Finnish European, 0.00059%; no homozygotes.

Submission:

GeneDx
Classification: Uncertain significance. Last evaluated: 2024-09-10. Review status: criteria provided, single submitter. Criteria: GeneDx Variant Classification Process June 2021. Collection method: clinical testing. Allele origin: germline. Affected: yes.
Comment: Not observed at significant frequency in large population cohorts (gnomAD); Missense variant in a gene in which most reported pathogenic variants are truncating/loss of function; Has not been previously published as pathogenic or benign to our knowledge

NM_001267550.2(TTN):c.65501C>T (p.Ala21834Val)

Genes: TTN-AS1 (TTN antisense RNA 1; plus strand), TTN (titin; minus strand). Cytogenetic location: 2q31.2.
Variant type: single nucleotide variant.
Coding change: c.65501C>T on transcript NM_001267550.2 (MANE Select); coding-DNA position 65501, C replaced by T.
Protein change: p.Ala21834Val; replaces alanine 21834 with valine.
Molecular consequence: missense variant. On other transcripts: non-coding transcript variant (1).
Genome position (GRCh38, 1-based): chr2:178,583,681, G>A on the plus strand (C>T on the coding strand, the complement: TTN is on the minus strand). VCF-style: chr2-178583681-G-A. GRCh37 (hg19) VCF-style: chr2-179448408-G-A.
Other names: c.60578C>T, p.Ala20193Val (NM_001256850.1); c.38306C>T, p.Ala12769Val (NM_003319.4); c.57797C>T, p.Ala19266Val (NM_133378.4); c.38681C>T, p.Ala12894Val (NM_133432.3); c.38882C>T, p.Ala12961Val (NM_133437.4); short protein forms A12769V, A12894V, A12961V, A19266V, A20193V, A21834V.
Identifiers: ClinVar variation 3767825 (VCV003767825.1).